The following is an entry in ClinVar:

NM_201599.3(ZMYM3):c.1678A>T (p.Asn560Tyr)

Gene: ZMYM3 (zinc finger MYM-type containing 3; minus strand). Cytogenetic location: Xq13.1.
Variant type: single nucleotide variant.
Coding change: c.1678A>T on transcript NM_201599.3 (MANE Select); coding-DNA position 1678, A replaced by T.
Protein change: p.Asn560Tyr; replaces asparagine 560 with tyrosine.
Molecular consequence: missense variant.
Genome position (GRCh38, 1-based): chrX:71,248,745, T>A on the plus strand (A>T on the coding strand, the complement: ZMYM3 is on the minus strand). VCF-style: chrX-71248745-T-A. GRCh37 (hg19) VCF-style: chrX-70468595-T-A.
Other names: c.1678A>T, p.Asn560Tyr (NM_001171162.1, NM_005096.3); short protein forms N560Y.
Identifiers: ClinVar variation 2295418 (VCV002295418.12), dbSNP rs937809555, ClinGen allele CA331007847.

ClinVar aggregate classification (germline): Conflicting classifications of pathogenicity. Review status: criteria provided, conflicting classifications (1 of 4 stars). 2 submissions from 2 submitters: Uncertain significance (1); Likely benign (1). Last evaluated 2025-05-01.

Conditions:
Inborn genetic diseases. Identifiers: MedGen C0950123, MeSH D030342.

Allele frequency attached by ClinVar (database versions not stated): gnomAD exomes 0.00003; TOPMed 0.00003.
gnomAD v4.1: 39 of 1,206,704 alleles (0.0032%); highest among the groups gnomAD compares: Non-Finnish European, 0.004%; no homozygotes.

Submissions (2):

CeGaT Center for Human Genetics Tuebingen
Classification: Likely benign. Last evaluated: 2025-05-01. Review status: criteria provided, single submitter. Criteria: CeGaT Center For Human Genetics Tuebingen Variant Classification Criteria Version 2. Collection method: clinical testing. Allele origin: germline. Affected: yes. Observed: 1 variant allele.
Comment: ZMYM3: PP2, BS2

Ambry Genetics
Classification: Uncertain significance for Inborn genetic diseases. Last evaluated: 2022-06-13. Review status: criteria provided, single submitter. Criteria: Ambry Variant Classification Scheme 2023. Collection method: clinical testing. Allele origin: germline.